The following is an entry in ClinVar:

ClinVar aggregate classification (germline): Conflicting classifications of pathogenicity. Review status: criteria provided, conflicting classifications (1 of 4 stars). 6 submissions from 6 submitters: Uncertain significance (1); Likely benign (3). 2 of the submissions do not count toward it. Last evaluated 2026-02-02.

Conditions:
Fraser syndrome 2 (FRASRS2). Identifiers: MedGen C4540036, MONDO:0054738, OMIM 617666.

Allele frequency attached by ClinVar (database versions not stated): ExAC 0.00120; gnomAD exomes 0.00123 and 0.00264; gnomAD 0.00147 and 0.00155; TOPMed 0.00158; ESP Exome Variant Server 0.00185.
gnomAD v4.1: 4,017 of 1,614,028 alleles (0.25%); highest among the groups gnomAD compares: Non-Finnish European, 0.32%; 7 homozygotes.

Submissions (6):

Labcorp Genetics (formerly Invitae), Labcorp
Classification: Likely benign. Last evaluated: 2026-02-02. Review status: criteria provided, single submitter. Criteria: Invitae Variant Classification Sherloc (09022015). Collection method: clinical testing. Allele origin: germline.

Blueprint Genetics
Classification: Likely benign. Last evaluated: 2024-11-25. Review status: criteria provided, single submitter. Criteria: ACMG Guidelines, 2015. Collection method: clinical testing. Allele origin: germline.

CeGaT Center for Human Genetics Tuebingen
Classification: Likely benign. Last evaluated: 2023-03-01. Review status: criteria provided, single submitter. Criteria: CeGaT Center For Human Genetics Tuebingen Variant Classification Criteria Version 2. Collection method: clinical testing. Allele origin: germline. Affected: yes. Observed: 2 variant alleles.
Comment: FREM2: BP4, BP7

Illumina Laboratory Services, Illumina
Classification: Uncertain significance for Fraser syndrome 2. Last evaluated: 2018-01-12. Review status: criteria provided, single submitter. Criteria: ICSL Variant Classification Criteria 13 December 2019. Collection method: clinical testing. Allele origin: germline.

Clinical Genetics DNA and cytogenetics Diagnostics Lab, Erasmus MC, Erasmus Medical Center
Classification: Likely benign. Review status: no assertion criteria provided. Collection method: clinical testing. Allele origin: germline. Affected: yes. Study: VKGL Data-share Consensus. Not counted in ClinVar's aggregate classification.

Genome Diagnostics Laboratory, University Medical Center Utrecht
Classification: Benign. Review status: no assertion criteria provided. Collection method: clinical testing. Allele origin: germline. Affected: yes. Study: VKGL Data-share Consensus. Not counted in ClinVar's aggregate classification.

NM_207361.6(FREM2):c.7323G>A (p.Ala2441=)

Gene: FREM2 (FRAS1 related extracellular matrix 2; plus strand). Cytogenetic location: 13q13.3.
Variant type: single nucleotide variant.
Coding change: c.7323G>A on transcript NM_207361.6 (MANE Select); coding-DNA position 7323, G replaced by A.
Protein change: p.Ala2441=; no amino-acid change (alanine 2441 retained).
Molecular consequence: synonymous variant.
Genome position (GRCh38, 1-based): chr13:38,859,394, G>A. VCF-style: chr13-38859394-G-A. GRCh37 (hg19) VCF-style: chr13-39433531-G-A.
Identifiers: ClinVar variation 697654 (VCV000697654.40), dbSNP rs147563277, ClinGen allele CA6955828.